The following is an entry in ClinVar:

NM_001267550.2(TTN):c.26161G>A (p.Val8721Met)

Gene: TTN (titin; minus strand). Cytogenetic location: 2q31.2.
Variant type: single nucleotide variant.
Coding change: c.26161G>A on transcript NM_001267550.2 (MANE Select); coding-DNA position 26161, G replaced by A.
Protein change: p.Val8721Met; replaces valine 8721 with methionine.
Molecular consequence: missense variant. On other transcripts: intron variant (3).
Genome position (GRCh38, 1-based): chr2:178,715,025, C>T on the plus strand (G>A on the coding strand, the complement: TTN is on the minus strand). VCF-style: chr2-178715025-C-T. GRCh37 (hg19) VCF-style: chr2-179579752-C-T.
Other names: p.V8404M:GTG>ATG; c.25210G>A, p.Val8404Met (NM_001256850.1); c.22429G>A, p.Val7477Met (NM_133378.4); c.13282+23057G>A (NM_003319.4); c.13858+23057G>A (NM_133437.4); c.13657+23057G>A (NM_133432.3); short protein forms V8404M, V8721M, V7477M.
Identifiers: ClinVar variation 203343 (VCV000203343.20), dbSNP rs777730788, ClinGen allele CA312097.

ClinVar aggregate classification (germline): Conflicting classifications of pathogenicity. Review status: criteria provided, conflicting classifications (1 of 4 stars). 6 submissions from 6 submitters: Uncertain significance (3); Likely benign (2). 1 of the submissions does not count toward it. Last evaluated 2026-09-21.

Conditions:
TTN-related disorder. Also called: TTN-related condition; TTN-related disease; TTN-related disorders.
Autosomal recessive limb-girdle muscular dystrophy type 2J (LGMDR10). Also called: MUSCULAR DYSTROPHY, LIMB-GIRDLE, AUTOSOMAL RECESSIVE 10; Limb-girdle muscular dystrophy, type 2J. Identifiers: Orphanet 140922, MedGen C1837342, MONDO:0012127, OMIM 608807.
Dilated cardiomyopathy 1G (CMD1G). Identifiers: Orphanet 154, MedGen C1858763, MONDO:0011400, OMIM 604145.
Primary dilated cardiomyopathy (DCM). Also called: Dilated Cardiomyopathy. Identifiers: Orphanet 217604, MedGen C0007193, MeSH D002311, MONDO:0005021, HP:0001644. Inheritance: Various modes of inheritance.

Allele frequency attached by ClinVar (database versions not stated): gnomAD below 0.00001 and 0.00005; ExAC 0.00026; gnomAD exomes 0.00012 and 0.00023; TOPMed 0.00003.
gnomAD v4.1: 175 of 1,612,926 alleles (0.011%); highest among the groups gnomAD compares: South Asian, 0.18%; 1 homozygote.

Submissions (6):

Molecular Diagnostic Laboratory for Inherited Cardiovascular Disease, Montreal Heart Institute
Classification: Likely benign. Last evaluated: 2026-09-21. Review status: criteria provided, single submitter. Criteria: ACMG Guidelines, 2015. Collection method: clinical testing. Allele origin: germline. Affected: no.
Comment: BS1;BP1

Labcorp Genetics (formerly Invitae), Labcorp
Classification: Likely benign for Dilated cardiomyopathy 1G; Autosomal recessive limb-girdle muscular dystrophy type 2J. Last evaluated: 2025-12-22. Review status: criteria provided, single submitter. Criteria: Invitae Variant Classification Sherloc (09022015). Collection method: clinical testing. Allele origin: germline.

Revvity Omics, Revvity
Classification: Uncertain significance. Last evaluated: 2022-05-16. Review status: criteria provided, single submitter. Criteria: ACMG Guidelines, 2015. Collection method: clinical testing. Allele origin: germline.

GeneDx
Classification: Uncertain significance. Last evaluated: 2014-02-06. Review status: criteria provided, single submitter. Criteria: GeneDx Variant Classification (06012015). Collection method: clinical testing. Allele origin: germline. Affected: yes.
Comment: Missense variants in the TTN gene are considered 'unclassified' if they are not previously reported in the literature and do not have >1% frequency in the population to be considered a polymorphism. Research indicates that truncating mutations in the TTN gene are expected to account for approximately 25% of familial and 18% of sporadic idiopathic DCM; however, truncating variants in the TTN gene have been reported in approximately 3% of reported control alleles. There has been little investigation into non-truncating variants. (Herman D et al. Truncations of titin causing dilated cardiomyopathy. N Eng J Med 366:619-628, 2012) The variant is found in CARDIOMYOPATHY panel(s).

Genetics and Genomics Program, Sidra Medicine
Classification: Uncertain significance for Primary dilated cardiomyopathy. Review status: criteria provided, single submitter. Criteria: ACMG Guidelines, 2015. Collection method: research. Allele origin: unknown. Affected: yes. Observed: 1 variant allele.

PreventionGenetics, part of Exact Sciences
Classification: Likely benign for TTN-related condition. Last evaluated: 2022-03-31. Review status: no assertion criteria provided. Collection method: clinical testing. Allele origin: germline. Not counted in ClinVar's aggregate classification.
Comment: This variant is classified as likely benign based on ACMG/AMP sequence variant interpretation guidelines (Richards et al. 2015 PMID: 25741868, with internal and published modifications).